The following is an entry in ClinVar:

ClinVar aggregate classification (germline): Pathogenic. Review status: criteria provided, multiple submitters, no conflicts (2 of 4 stars). 3 submissions from 3 submitters: Pathogenic (2). 1 of the submissions does not count toward it. Last evaluated 2026-06-10.

Conditions:
ABCB4-related disorder. Also called: ABCB4-related disorders; ABCB4-related condition.
Progressive familial intrahepatic cholestasis type 3. Also called: Low Gamma-GT Familial Intrahepatic Cholestasis; MDR3 DEFICIENCY. Identifiers: Orphanet 79305, MedGen C1865643, MONDO:0011214, OMIM 602347.

Allele frequency attached by ClinVar (database versions not stated): TOPMed below 0.00001; gnomAD 0.00001.
gnomAD v4.1: 1 of 1,613,612 alleles (0.000062%); highest among the groups gnomAD compares: African/African-American, 0.0013%; no homozygotes.

Submissions (3):

PreventionGenetics, part of Exact Sciences
Classification: Pathogenic for ABCB4-related condition. Last evaluated: 2026-06-10. Review status: criteria provided, single submitter. Criteria: ACMG Guidelines, 2015. Collection method: clinical testing. Allele origin: germline.
Comment: The ABCB4 c.1144G>T variant is predicted to result in premature protein termination (p.Glu382*). This variant was reported in an individual with familial progressive intrahepatic cholestasis along with a second potentially causative ABCB4 variant (Kong et al. 2023. PubMed ID: 38057357). This variant has not been reported in a large population database (gnomAD), indicating this variant is rare. Nonsense variants in ABCB4 are expected to be pathogenic. This variant is interpreted as pathogenic.

Eurofins Ntd Llc (ga)
Classification: Pathogenic. Last evaluated: 2017-11-07. Review status: criteria provided, single submitter. Criteria: EGL Classification Definitions 2015. Collection method: clinical testing. Allele origin: germline. Observed: 2 variant alleles, 2 heterozygotes.

Genomics And Bioinformatics Analysis Resource, Columbia University
Classification: Likely pathogenic for Progressive familial intrahepatic cholestasis type 3. Review status: no assertion criteria provided. Collection method: research. Allele origin: unknown. Affected: yes. Not counted in ClinVar's aggregate classification.
Comment: Compound Heterozygous

NM_000443.4(ABCB4):c.1144G>T (p.Glu382Ter)

Gene: ABCB4 (ATP binding cassette subfamily B member 4; minus strand). Cytogenetic location: 7q21.12.
Variant type: single nucleotide variant.
Coding change: c.1144G>T on transcript NM_000443.4 (MANE Select); coding-DNA position 1144, G replaced by T.
Protein change: p.Glu382Ter; replaces glutamic acid 382 with a stop codon.
Molecular consequence: nonsense.
Genome position (GRCh38, 1-based): chr7:87,443,749, C>A on the plus strand (G>T on the coding strand, the complement: ABCB4 is on the minus strand). VCF-style: chr7-87443749-C-A. GRCh37 (hg19) VCF-style: chr7-87073065-C-A.
Other names: c.1144G>T, p.Glu382Ter (NM_018849.3, NM_018850.3); c.1144G>T (NM_000443.3); short protein forms E382*.
Identifiers: ClinVar variation 498031 (VCV000498031.7), dbSNP rs1554407511, ClinGen allele CA368045792.